The following is an entry in ClinVar:

ClinVar aggregate classification (germline): Uncertain significance (1 of 4 stars; one submission).

Conditions:
LEPR-related disorder. Also called: LEPR-related condition; LEPR-related disorders.

Submission:

PreventionGenetics, part of Exact Sciences
Classification: Uncertain significance for LEPR-related condition. Last evaluated: 2024-12-17. Review status: criteria provided, single submitter. Criteria: ACMG Guidelines, 2015. Collection method: clinical testing. Allele origin: germline.
Comment: The LEPR c.2729C>T variant is predicted to result in the amino acid substitution p.Thr910Ile. In an alternate transcript (NM_002303.5), this variant is found within an intronic region (c.2674-5934C>T). To our knowledge, this variant has not been reported in the literature. This variant is reported in 0.0055% of alleles in individuals of European (Non-Finnish) descent in gnomAD. At this time, the clinical significance of this variant is uncertain due to the absence of conclusive functional and genetic evidence.

NM_002303.6(LEPR):c.2674-5934C>T

Gene: LEPR (leptin receptor; plus strand). Cytogenetic location: 1p31.3.
Variant type: single nucleotide variant.
Coding change: c.2674-5934C>T on transcript NM_002303.6 (MANE Select); 5934 bases into the intron before coding-DNA position 2674, C replaced by T.
Molecular consequence: intron variant. On other transcripts: missense variant (2).
Genome position (GRCh38, 1-based): chr1:65,630,257, C>T. VCF-style: chr1-65630257-C-T. GRCh37 (hg19) VCF-style: chr1-66095940-C-T.
Other names: c.2729C>T, p.Thr910Ile (NM_001003680.3, NM_001198687.2); c.2674-2895C>T (NM_001003679.3, NM_001198689.2); short protein forms T910I.
Identifiers: ClinVar variation 4983952 (VCV004983952.1).